The following is an entry in ClinVar:

ClinVar aggregate classification (germline): Uncertain significance (1 of 4 stars; one submission).

Submission:

GeneDx
Classification: Uncertain significance. Last evaluated: 2026-03-03. Review status: criteria provided, single submitter. Criteria: GeneDx Variant Classification Process June 2021. Collection method: clinical testing. Allele origin: germline.
Comment: Not observed at significant frequency in large population cohorts (gnomAD); In silico analysis suggests that this missense variant does not alter protein structure/function; Has not been previously published as pathogenic or benign to our knowledge

NM_173630.4(RTTN):c.5329T>A (p.Phe1777Ile)

Genes: RTTN (rotatin; minus strand), LOC126862785 (MED14-independent group 3 enhancer GRCh37_chr18:67714790-67715989; plus strand). Cytogenetic location: 18q22.2.
Variant type: single nucleotide variant.
Coding change: c.5329T>A on transcript NM_173630.4 (MANE Select); coding-DNA position 5329, T replaced by A.
Protein change: p.Phe1777Ile; replaces phenylalanine 1777 with isoleucine.
Molecular consequence: missense variant.
Genome position (GRCh38, 1-based): chr18:70,048,183, A>T on the plus strand (T>A on the coding strand, the complement: RTTN is on the minus strand). VCF-style: chr18-70048183-A-T. GRCh37 (hg19) VCF-style: chr18-67715419-A-T.
Other names: c.2593T>A, p.Phe865Ile (NM_001318520.2); short protein forms F1777I, F865I.
Identifiers: ClinVar variation 5008442 (VCV005008442.1).
Genomic context (GRCh38, chr18:70,048,183, plus strand): 5'-ATTGCAAGCTGGCAGTATACAGGGCAGGACACGTGGCAGACAAGCCTGCACATGTGCAGA[A>T]CATATCTAAAGGAATAATTTCAGATGTGAATGTTTGAAAATTTCTTCAAAATTCAACAAA-3'
Protein context (NP_775901.3, residues 1767-1787): AKHWTAAIDM[Phe1777Ile]CTCAGLSATC